The following is an entry in ClinVar:

NM_001077365.2(POMT1):c.539+104A>G

Gene: POMT1 (protein O-mannosyltransferase 1; plus strand). Cytogenetic location: 9q34.13.
Variant type: single nucleotide variant.
Coding change: c.539+104A>G on transcript NM_001077365.2 (MANE Select); 104 bases into the intron after coding-DNA position 539, A replaced by G.
Molecular consequence: intron variant.
Genome position (GRCh38, 1-based): chr9:131,509,126, A>G. VCF-style: chr9-131509126-A-G. GRCh37 (hg19) VCF-style: chr9-134384513-A-G.
Other names: c.377+104A>G (NM_001353198.2, NM_001353194.2, NM_001374689.1 and 3 more transcripts); c.539+104A>G (NM_001353193.2, NM_001136113.2, NM_007171.4 and 1 more transcripts); c.188+104A>G (NM_001374691.1, NM_001353195.2, NM_001374692.1 and 2 more transcripts); c.449+104A>G (NM_001353196.2); c.83+104A>G (NM_001374695.1, NM_001353200.2).
Identifiers: ClinVar variation 667982 (VCV000667982.2), dbSNP rs28447664, ClinGen allele CA13040135.

ClinVar aggregate classification (germline): Benign. Review status: criteria provided, multiple submitters, no conflicts (2 of 4 stars). 2 submissions from 2 submitters: Benign (2). Last evaluated 2018-06-14.

Allele frequency attached by ClinVar (database versions not stated): 1000 Genomes Project 30x 0.86696; TOPMed 0.86893; 1000 Genomes Project 0.87081; gnomAD 0.88233 and 0.88690; gnomAD exomes 0.94176.
gnomAD v4.1: 739,592 of 794,892 alleles (93%); highest among the groups gnomAD compares: South Asian, 97%; 345,731 homozygotes.

Submissions (2):

GeneDx
Classification: Benign. Last evaluated: 2018-06-14. Review status: criteria provided, single submitter. Criteria: GeneDx Variant Classification (06012015). Collection method: clinical testing. Allele origin: germline. Affected: yes.
Comment: This variant is considered likely benign or benign based on one or more of the following criteria: it is a conservative change, it occurs at a poorly conserved position in the protein, it is predicted to be benign by multiple in silico algorithms, and/or has population frequency not consistent with disease.

Breakthrough Genomics
Classification: Benign. Review status: criteria provided, single submitter. Criteria: ACMG Guidelines, 2015. Collection method: not provided. Allele origin: germline. Inheritance: Autosomal recessive inheritance. Affected: yes.